The following is an entry in ClinVar:

ClinVar aggregate classification (germline): Pathogenic/Likely pathogenic. Review status: criteria provided, multiple submitters, no conflicts (2 of 4 stars). 4 submissions from 4 submitters: Pathogenic (3); Likely pathogenic (1). Last evaluated 2025-09-02.

Conditions:
Endometrial carcinoma. Also called: Endometrial carcinoma, somatic. Identifiers: MedGen C0476089, MONDO:0002447, OMIM 608089, HP:0012114.
Hereditary nonpolyposis colorectal neoplasms. Identifiers: MedGen C0009405, MeSH D003123.
Hereditary cancer-predisposing syndrome. Also called: Tumor predisposition; Hereditary Cancer Syndrome; Hereditary neoplastic syndrome; Neoplastic Syndromes, Hereditary. Identifiers: Orphanet 140162, MedGen C0027672, MeSH D009386, MONDO:0015356.
Lynch syndrome 5 (LYNCH5). Also called: Hereditary non-polyposis colorectal cancer, type 5; Colorectal cancer, hereditary nonpolyposis, type 5. Identifiers: Orphanet 144, MedGen C1833477, MONDO:0013710, OMIM 614350. Disease mechanism: loss of function.

Submissions (4):

Ambry Genetics
Classification: Pathogenic for Hereditary cancer-predisposing syndrome. Last evaluated: 2025-09-02. Review status: criteria provided, single submitter. Criteria: Ambry Variant Classification Scheme 2023. Collection method: clinical testing. Allele origin: germline.
Comment: The c.442_443delTT pathogenic mutation, located in coding exon 2 of the MSH6 gene, results from a deletion of two nucleotides at nucleotide positions 442 to 443, causing a translational frameshift with a predicted alternate stop codon (p.L148Kfs*23). This variant is considered to be rare based on population cohorts in the Genome Aggregation Database (gnomAD). This alteration is expected to result in loss of function by premature protein truncation or nonsense-mediated mRNA decay. As such, this alteration is interpreted as a disease-causing mutation.

Labcorp Genetics (formerly Invitae), Labcorp
Classification: Pathogenic for Hereditary nonpolyposis colorectal neoplasms. Last evaluated: 2024-04-30. Review status: criteria provided, single submitter. Criteria: Invitae Variant Classification Sherloc (09022015). Collection method: clinical testing. Allele origin: germline.
Comment: This sequence change creates a premature translational stop signal (p.Leu148Lysfs*23) in the MSH6 gene. It is expected to result in an absent or disrupted protein product. Loss-of-function variants in MSH6 are known to be pathogenic (PMID: 18269114, 24362816). This variant is not present in population databases (gnomAD no frequency). This variant has not been reported in the literature in individuals affected with MSH6-related conditions. ClinVar contains an entry for this variant (Variation ID: 410397). For these reasons, this variant has been classified as Pathogenic.

Myriad Genetics, Inc.
Classification: Pathogenic for Lynch syndrome 5. Last evaluated: 2023-01-12. Review status: criteria provided, single submitter. Criteria: Myriad Autosomal Dominant, Autosomal Recessive and X-Linked Classification Criteria (2023). Collection method: clinical testing. Allele origin: unknown.
Comment: This variant is considered pathogenic. This variant creates a frameshift predicted to result in premature protein truncation.

Baylor Genetics
Classification: Likely pathogenic for Endometrial carcinoma. Last evaluated: 2022-04-20. Review status: criteria provided, single submitter. Criteria: ACMG Guidelines, 2015. Collection method: clinical testing. Allele origin: unknown.

Literature cited by the submitters: PubMed 18269114 (cited by Labcorp Genetics (formerly Invitae), Labcorp); PubMed 24362816 (cited by Labcorp Genetics (formerly Invitae), Labcorp).

NM_000179.3(MSH6):c.442_443del (p.Leu148fs)

Gene: MSH6 (mutS homolog 6; plus strand). Cytogenetic location: 2p16.3.
Variant type: Deletion.
Coding change: c.442_443del on transcript NM_000179.3 (MANE Select); coding-DNA positions 442 to 443, 2 bases deleted (TT; older notation c.442_443delTT).
Protein change: p.Leu148fs; shifts the reading frame from leucine 148.
Molecular consequence: frameshift variant. On other transcripts: 5 prime UTR variant (2), intron variant (1).
Genome position (GRCh38, 1-based): chr2:47,791,108-47,791,109, TT deleted; deleting any 2 consecutive bases within chr2:47,791,106-47,791,109 gives the same sequence; the c. name uses the placement nearest the transcript's 3' end. VCF-style (leftmost placement, unchanged base first): chr2-47791105-CTT-C. GRCh37 (hg19) VCF-style: chr2-48018244-CTT-C.
Other names: c.-295_-294del (NM_001281493.2); c.-461_-460del (NM_001281494.2); c.238-7503_238-7502del (NM_001281492.2); c.442_443delTT (NM_000179.2); short protein forms L148fs.
Identifiers: ClinVar variation 410397 (VCV000410397.18), dbSNP rs1060502875, ClinGen allele CA16611100.